The following is an entry in ClinVar:

NM_007286.6(SYNPO):c.2351C>T (p.Ser784Phe)

Gene: SYNPO (synaptopodin; plus strand). Cytogenetic location: 5q33.1.
Variant type: single nucleotide variant.
Coding change: c.2351C>T on transcript NM_007286.6 (MANE Select); coding-DNA position 2351, C replaced by T.
Protein change: p.Ser784Phe; replaces serine 784 with phenylalanine.
Molecular consequence: missense variant.
Genome position (GRCh38, 1-based): chr5:150,656,726, C>T. VCF-style: chr5-150656726-C-T. GRCh37 (hg19) VCF-style: chr5-150036288-C-T.
Other names: short protein forms S784F.
Identifiers: ClinVar variation 3172855 (VCV003172855.2), dbSNP rs767009298, ClinGen allele CA361770990.
Genomic context (GRCh38, chr5:150,656,726, plus strand): 5'-CGGCCCGGCGCAAGAGCGCCTCCCCGCGGTCGGCGGGCGCCGAGAACCCGCGGCCCTTCT[C>T]CCCGCCGAGGGCGCCACCGCCCCCGCCCCCGCCCCCGCCCCCGCCCCCGCGCATGCGCTC-3'
Protein context (NP_009217.3, residues 774-794): SAGAENPRPF[Ser784Phe]PPRAPPPPPP

ClinVar aggregate classification (germline): Uncertain significance. Review status: criteria provided, multiple submitters, no conflicts (2 of 4 stars). 2 submissions from 2 submitters: Uncertain significance (2). Last evaluated 2025-07-22.

gnomAD v4.1: 4 of 1,359,174 alleles (0.00029%); highest among the groups gnomAD compares: Admixed American, 0.013%; no homozygotes.

Submissions (2):

Labcorp Genetics (formerly Invitae), Labcorp
Classification: Uncertain significance. Last evaluated: 2025-07-22. Review status: criteria provided, single submitter. Criteria: Invitae Variant Classification Sherloc (09022015). Collection method: clinical testing. Allele origin: germline.
Comment: This sequence change replaces serine, which is neutral and polar, with phenylalanine, which is neutral and non-polar, at codon 784 of the SYNPO protein (p.Ser784Phe). This variant is present in population databases (no rsID available, gnomAD 0.06%). This variant has not been reported in the literature in individuals affected with SYNPO-related conditions. ClinVar contains an entry for this variant (Variation ID: 3172855). An algorithm developed to predict the effect of missense changes on protein structure and function (PolyPhen-2) suggests that this variant is likely to be disruptive. In summary, the available evidence is currently insufficient to determine the role of this variant in disease. Therefore, it has been classified as a Variant of Uncertain Significance.

Ambry Genetics
Classification: Uncertain significance. Last evaluated: 2023-10-27. Review status: criteria provided, single submitter. Criteria: Ambry Variant Classification Scheme 2023. Collection method: clinical testing. Allele origin: germline.